The following is an entry in ClinVar:

ClinVar aggregate classification (germline): Uncertain significance (1 of 4 stars; one submission).

Conditions:
Generalized epilepsy-paroxysmal dyskinesia syndrome (PNKD3). Also called: Paroxysmal nonkinesigenic dyskinesia, 3, with or without generalized epilepsy; Generalized epilepsy and paroxysmal dyskinesia. Identifiers: Orphanet 79137, MedGen C5574945, MONDO:0012276, OMIM 609446.

Submission:

Labcorp Genetics (formerly Invitae), Labcorp
Classification: Uncertain significance for Generalized epilepsy-paroxysmal dyskinesia syndrome. Last evaluated: 2024-09-15. Review status: criteria provided, single submitter. Criteria: Invitae Variant Classification Sherloc (09022015). Collection method: clinical testing. Allele origin: germline.
Comment: This variant, c.19_30del, results in the deletion of 4 amino acid(s) of the KCNMA1 protein (p.Gly7_Gly10del), but otherwise preserves the integrity of the reading frame. The frequency data for this variant in the population databases is considered unreliable, as metrics indicate poor data quality at this position in the gnomAD database. This variant has not been reported in the literature in individuals affected with KCNMA1-related conditions. ClinVar contains an entry for this variant (Variation ID: 854623). Experimental studies and prediction algorithms are not available or were not evaluated, and the functional significance of this variant is currently unknown. In summary, the available evidence is currently insufficient to determine the role of this variant in disease. Therefore, it has been classified as a Variant of Uncertain Significance.

NM_001161352.2(KCNMA1):c.13GGC[2] (p.Gly7_Gly10del)

Gene: KCNMA1 (potassium calcium-activated channel subfamily M alpha 1; minus strand). Cytogenetic location: 10q22.3.
Variant type: Microsatellite.
Coding change: c.13GGC[2] on transcript NM_001161352.2 (MANE Select); two copies in a row of the 3-base unit GGC starting at c.13; the reference has six copies in a row; four copies, 12 bases deleted.
Protein change: p.Gly7_Gly10del.
Molecular consequence: inframe deletion.
Genome position (GRCh38, 1-based): chr10:77,637,613-77,637,624, GCCGCCGCCGCC deleted on the plus strand (GGCGGCGGCGGC on the coding strand, the reverse complement: KCNMA1 is on the minus strand); deleting any 12 consecutive bases within chr10:77,637,613-77,637,630 gives the same sequence; the position shown is the placement nearest the transcript's 3' end. VCF-style (leftmost placement, unchanged base first): chr10-77637612-TGCCGCCGCCGCC-T. GRCh37 (hg19) VCF-style: chr10-79397370-TGCCGCCGCCGCC-T.
Other names: c.13GGC[2], p.Gly7_Gly10del (NM_001014797.3, NM_001161353.2, NM_001271518.2 and 12 more transcripts).
Identifiers: ClinVar variation 854623 (VCV000854623.13), dbSNP rs750804948, ClinGen allele CA594712762.